The following is an entry in ClinVar:

ClinVar aggregate classification (germline): Pathogenic/Likely pathogenic. Review status: criteria provided, multiple submitters, no conflicts (2 of 4 stars). 7 submissions from 7 submitters: Pathogenic (6); Likely pathogenic (1). Last evaluated 2026-09-30.

Conditions:
Hereditary cancer-predisposing syndrome. Also called: Hereditary Cancer Syndrome; Hereditary neoplastic syndrome; Neoplastic Syndromes, Hereditary; Tumor predisposition. Identifiers: Orphanet 140162, MedGen C0027672, MeSH D009386, MONDO:0015356.
Cardiovascular phenotype. Identifiers: MedGen CN230736.
Neurofibromatosis, type 1 (NF1). Also called: VON RECKLINGHAUSEN DISEASE; Peripheral type neurofibromatosis; NEUROFIBROMATOSIS, TYPE I, SOMATIC; Neurofibromatosis, type I. Identifiers: Orphanet 636, MedGen C0027831, MONDO:0018975, OMIM 162200. Disease mechanism: loss of function.

Submissions (7):

Myriad Genetics, Inc.
Classification: Pathogenic for Neurofibromatosis, type 1. Last evaluated: 2026-09-30. Review status: criteria provided, single submitter. Criteria: Myriad Autosomal Dominant, Autosomal Recessive and X-Linked Classification Criteria (2023). Collection method: clinical testing. Allele origin: unknown.
Comment: This variant is considered pathogenic. This variant occurs within a consensus splice junction and is predicted to result in abnormal mRNA splicing of either an out-of-frame exon or an in-frame exon necessary for protein stability and/or normal function. mRNA analysis has demonstrated abnormal mRNA splicing occurs [PMID: 31370276, 18041031, 32575496]. This variant has been reported in multiple individuals with clinical features of gene-specific disease [PMID: 37280783, 33919865, 31370276, 18041031, 34860164, 41091164, 37529773, 32575496].

Institute of Medical Genetics and Applied Genomics, University Hospital Tübingen
Classification: Pathogenic for Neurofibromatosis, type 1. Last evaluated: 2026-03-23. Review status: criteria provided, single submitter. Criteria: ACMG Guidelines, 2015. Collection method: clinical testing. Allele origin: germline. Inheritance: Autosomal dominant inheritance. Affected: yes.

Medical and Scientific Branch, Hong Kong Genome Institute
Classification: Pathogenic for Neurofibromatosis, type 1. Last evaluated: 2026-01-26. Review status: criteria provided, single submitter. Criteria: ACMG Guidelines, 2015. Collection method: clinical testing. Allele origin: unknown. Affected: yes.

NHS Central & South Genomic Laboratory Hub
Classification: Likely pathogenic for Neurofibromatosis type 1. Last evaluated: 2025-04-09. Review status: criteria provided, single submitter. Criteria: ACMG Guidelines, 2015. Collection method: clinical testing. Allele origin: germline. Affected: yes.

Ambry Genetics
Classification: Pathogenic for Cardiovascular phenotype; Hereditary cancer-predisposing syndrome. Last evaluated: 2025-02-06. Review status: criteria provided, single submitter. Criteria: Ambry Variant Classification Scheme 2023. Collection method: clinical testing. Allele origin: germline.
Comment: The c.1260+1G>T intronic pathogenic mutation results from a G to T substitution one nucleotide after coding exon 11 of the NF1 gene. This variant was reported in individual(s) with features consistent with neurofibromatosis type 1 (Ambry internal data). This nucleotide position is highly conserved in available vertebrate species. In silico splice site analysis predicts that this alteration will weaken the native splice donor site. RNA studies have demonstrated that this alteration results in abnormal splicing in the set of samples tested (Ambry internal data). This variant is considered to be rare based on population cohorts in the Genome Aggregation Database (gnomAD). Based on the supporting evidence, this variant is interpreted as a disease-causing mutation.

GeneDx
Classification: Pathogenic. Last evaluated: 2023-06-06. Review status: criteria provided, single submitter. Criteria: GeneDx Variant Classification Process June 2021. Collection method: clinical testing. Allele origin: germline. Affected: yes.
Comment: Canonical splice site variant predicted to result in an in-frame loss of the adjacent exon in a gene for which loss of function is a known mechanism of disease; Deletions involving coding exons of this gene are a known mechanism of disease (HGMD); Not observed at significant frequency in large population cohorts (gnomAD); This variant is associated with the following publications: (PMID: 10677298, 30531922)

Labcorp Genetics (formerly Invitae), Labcorp
Classification: Pathogenic for Neurofibromatosis, type 1. Last evaluated: 2020-08-09. Review status: criteria provided, single submitter. Criteria: Invitae Variant Classification Sherloc (09022015). Collection method: clinical testing. Allele origin: germline.
Comment: For these reasons, this variant has been classified as Pathogenic. Donor and acceptor splice site variants typically lead to a loss of protein function (PMID: 16199547), and loss-of-function variants in NF1 are known to be pathogenic (PMID: 10712197, 23913538). Algorithms developed to predict the effect of sequence changes on RNA splicing suggest that this variant may disrupt the consensus splice site, but this prediction has not been confirmed by published transcriptional studies. Disruption of this splice site has been observed in individual(s) with neurofibromatosis type 1 (PMID: 10677298, Invitae). ClinVar contains an entry for this variant (Variation ID: 570670). This variant is not present in population databases (ExAC no frequency). This sequence change affects a donor splice site in intron 11 of the NF1 gene. It is expected to disrupt RNA splicing and likely results in an absent or disrupted protein product.

Literature cited by the submitters: PubMed 31370276 (cited by Myriad Genetics, Inc.); PubMed 18041031 (cited by Myriad Genetics, Inc.); PubMed 32575496 (cited by Myriad Genetics, Inc.); PubMed 37280783 (cited by Myriad Genetics, Inc.); PubMed 33919865 (cited by Myriad Genetics, Inc.); PubMed 34860164 (cited by Myriad Genetics, Inc.); PubMed 41091164 (cited by Myriad Genetics, Inc.); PubMed 37529773 (cited by Myriad Genetics, Inc.); PubMed 16199547 (cited by Labcorp Genetics (formerly Invitae), Labcorp); PubMed 10712197 (cited by Labcorp Genetics (formerly Invitae), Labcorp); PubMed 23913538 (cited by Labcorp Genetics (formerly Invitae), Labcorp); PubMed 10677298 (cited by Labcorp Genetics (formerly Invitae), Labcorp).

NM_001042492.3(NF1):c.1260+1G>T

Gene: NF1 (neurofibromin 1; plus strand). Cytogenetic location: 17q11.2.
Variant type: single nucleotide variant.
Coding change: c.1260+1G>T on transcript NM_001042492.3 (MANE Select); the canonical splice donor site of the intron after coding-DNA position 1260, G replaced by T.
Molecular consequence: splice donor variant.
Genome position (GRCh38, 1-based): chr17:31,201,486, G>T. VCF-style: chr17-31201486-G-T. GRCh37 (hg19) VCF-style: chr17-29528504-G-T.
Other names: c.1260+1G>T (NM_000267.4, NM_001128147.3).
Identifiers: ClinVar variation 570670 (VCV000570670.13), dbSNP rs267606603, ClinGen allele CA398997811.